The following is an entry in ClinVar:

NM_002661.5(PLCG2):c.1923C>G (p.His641Gln)

Gene: PLCG2 (phospholipase C gamma 2; plus strand). Cytogenetic location: 16q23.3.
Variant type: single nucleotide variant.
Coding change: c.1923C>G on transcript NM_002661.5 (MANE Select); coding-DNA position 1923, C replaced by G.
Protein change: p.His641Gln; replaces histidine 641 with glutamine.
Molecular consequence: missense variant.
Genome position (GRCh38, 1-based): chr16:81,910,709, C>G. VCF-style: chr16-81910709-C-G. GRCh37 (hg19) VCF-style: chr16-81944314-C-G.
Other names: c.1923C>G (NM_002661.3); short protein forms H641Q.
Identifiers: ClinVar variation 568775 (VCV000568775.42), dbSNP rs374927413, ClinGen allele CA396901161.

ClinVar aggregate classification (germline): Uncertain significance. Review status: criteria provided, multiple submitters, no conflicts (2 of 4 stars). 3 submissions from 3 submitters: Uncertain significance (3). Last evaluated 2025-08-13.

Conditions:
Inborn genetic diseases. Identifiers: MedGen C0950123, MeSH D030342.
Familial cold autoinflammatory syndrome 3 (FCAS3). Also called: ANTIBODY DEFICIENCY AND IMMUNE DYSREGULATION, PLCG2-ASSOCIATED; FAMILIAL ATYPICAL COLD URTICARIA. Identifiers: Orphanet 300359, MedGen C3280914, MONDO:0013766, OMIM 614468.

Allele frequency attached by ClinVar (database versions not stated): TOPMed 0.00001.
gnomAD v4.1: 11 of 1,608,970 alleles (0.00068%); highest among the groups gnomAD compares: South Asian, 0.0033%; no homozygotes.

Submissions (3):

Ambry Genetics
Classification: Uncertain significance for Inborn genetic diseases. Last evaluated: 2025-08-13. Review status: criteria provided, single submitter. Criteria: Ambry Variant Classification Scheme 2023. Collection method: clinical testing. Allele origin: germline.

Labcorp Genetics (formerly Invitae), Labcorp
Classification: Uncertain significance for Familial cold autoinflammatory syndrome 3. Last evaluated: 2024-10-16. Review status: criteria provided, single submitter. Criteria: Invitae Variant Classification Sherloc (09022015). Collection method: clinical testing. Allele origin: germline.
Comment: This sequence change replaces histidine, which is basic and polar, with glutamine, which is neutral and polar, at codon 641 of the PLCG2 protein (p.His641Gln). This variant is not present in population databases (gnomAD no frequency). This variant has not been reported in the literature in individuals affected with PLCG2-related conditions. ClinVar contains an entry for this variant (Variation ID: 568775). An algorithm developed to predict the effect of missense changes on protein structure and function (PolyPhen-2) suggests that this variant is likely to be disruptive. In summary, the available evidence is currently insufficient to determine the role of this variant in disease. Therefore, it has been classified as a Variant of Uncertain Significance.

CeGaT Center for Human Genetics Tuebingen
Classification: Uncertain significance. Last evaluated: 2021-02-01. Review status: criteria provided, single submitter. Criteria: CeGaT Center For Human Genetics Tuebingen Variant Classification Criteria Version 2. Collection method: clinical testing. Allele origin: germline. Affected: yes. Observed: 1 variant allele.